The following is an entry in ClinVar:

NM_000551.4(VHL):c.115G>C (p.Gly39Arg)

Gene: VHL (von Hippel-Lindau tumor suppressor; plus strand). Cytogenetic location: 3p25.3.
Variant type: single nucleotide variant.
Coding change: c.115G>C on transcript NM_000551.4 (MANE Select); coding-DNA position 115, G replaced by C.
Protein change: p.Gly39Arg; replaces glycine 39 with arginine.
Molecular consequence: missense variant.
Genome position (GRCh38, 1-based): chr3:10,141,962, G>C. VCF-style: chr3-10141962-G-C. GRCh37 (hg19) VCF-style: chr3-10183646-G-C.
Other names: c.115G>C, p.Gly39Arg (NM_001354723.2, NM_198156.3); short protein forms G39R.
Identifiers: ClinVar variation 411992 (VCV000411992.20), dbSNP rs768650092, ClinGen allele CA039367.

ClinVar aggregate classification (germline): Conflicting classifications of pathogenicity. Review status: criteria provided, conflicting classifications (1 of 4 stars). 5 submissions from 5 submitters: Uncertain significance (1); Likely benign (4). Last evaluated 2025-11-03.

Conditions:
Von Hippel-Lindau syndrome (VHLS). Also called: VHL syndrome; von Hippel–Lindau syndrome; Von Hippel-Lindau. Identifiers: Orphanet 892, MedGen C0019562, MONDO:0008667, OMIM 193300. Disease mechanism: loss of function.
Chuvash polycythemia. Also called: POLYCYTHEMIA, VHL-DEPENDENT. Identifiers: Orphanet 238557, MedGen C1837915, MONDO:0009892, OMIM 263400.
Hereditary cancer-predisposing syndrome. Also called: Neoplastic Syndromes, Hereditary; Tumor predisposition; Hereditary Cancer Syndrome; Hereditary neoplastic syndrome. Identifiers: Orphanet 140162, MedGen C0027672, MeSH D009386, MONDO:0015356.

Allele frequency attached by ClinVar (database versions not stated): ExAC 0.00007; gnomAD 0.00007.
gnomAD v4.1: 82 of 1,550,798 alleles (0.0053%); highest among the groups gnomAD compares: Non-Finnish European, 0.0017%; no homozygotes.

Submissions (5):

Labcorp Genetics (formerly Invitae), Labcorp
Classification: Likely benign for Von Hippel-Lindau syndrome; Chuvash polycythemia. Last evaluated: 2025-11-03. Review status: criteria provided, single submitter. Criteria: Invitae Variant Classification Sherloc (09022015). Collection method: clinical testing. Allele origin: germline.

Blueprint Genetics
Classification: Likely benign. Last evaluated: 2024-05-20. Review status: criteria provided, single submitter. Criteria: ACMG Guidelines, 2015. Collection method: clinical testing. Allele origin: germline.

ARUP Laboratories, Molecular Genetics and Genomics, ARUP Laboratories
Classification: Uncertain significance. Last evaluated: 2023-12-19. Review status: criteria provided, single submitter. Criteria: ARUP Molecular Germline Variant Investigation Process 2024. Collection method: clinical testing. Allele origin: germline.
Comment: The VHL c.115G>C; p.Gly39Arg variant (rs768650092) is reported in the literature in an individuals affected with a pheochromocytoma (de Cubas 2013), but without clear disease association. This variant is also reported in ClinVar (Variation ID: 411992), and is found in the general population with an overall allele frequency of 0.0092% (17/184822 alleles) in the Genome Aggregation Database (v2.1.1). Computational analyses are uncertain whether this variant is neutral or deleterious (REVEL: 0.193). Due to limited information, the clinical significance of this variant is uncertain at this time. References: de Cubas AA et al. Integrative analysis of miRNA and mRNA expression profiles in pheochromocytoma and paraganglioma identifies genotype-specific markers and potentially regulated pathways. Endocr Relat Cancer. 2013 Jun 24;20(4):477-93. PMID: 23660872.

Ambry Genetics
Classification: Likely benign for Hereditary cancer-predisposing syndrome. Last evaluated: 2022-10-06. Review status: criteria provided, single submitter. Criteria: Ambry Variant Classification Scheme 2023. Collection method: clinical testing. Allele origin: germline.

GeneDx
Classification: Likely benign. Last evaluated: 2020-11-23. Review status: criteria provided, single submitter. Criteria: GeneDx Variant Classification Process June 2021. Collection method: clinical testing. Allele origin: germline. Affected: yes.
Comment: In silico analysis supports that this missense variant does not alter protein structure/function; This variant is associated with the following publications: (PMID: 23660872)